The following is an entry in ClinVar:

NM_000171.4(GLRA1):c.921dup (p.Val308fs)

Gene: GLRA1 (glycine receptor alpha 1; minus strand). Cytogenetic location: 5q33.1.
Variant type: Duplication.
Coding change: c.921dup on transcript NM_000171.4 (MANE Select); coding-DNA position 921, one base duplicated (T; older notation c.921dupT).
Protein change: p.Val308fs; shifts the reading frame from valine 308.
Molecular consequence: frameshift variant.
Genome position (GRCh38, 1-based): chr5:151,829,059, A duplicated on the plus strand (T on the coding strand, the reverse complement: GLRA1 is on the minus strand). VCF-style (leftmost placement, unchanged base first): chr5-151829058-C-CA. GRCh37 (hg19) VCF-style: chr5-151208619-C-CA.
Other names: NM_001292000.2:c.672dup; c.921dup, p.Val308fs (NM_001146040.2); c.672dup, p.Val225fs (NM_001292000.2); short protein forms V225fs, V308fs.
Identifiers: ClinVar variation 2500904 (VCV002500904.1), dbSNP rs2479903658, ClinGen allele CA2573335079.
Genomic context (GRCh38, chr5:151,829,058, plus strand): 5'-CTAATAGGGCTGAGAACACAAAGAGCAGGCAAACTGCCATCCAAATGTCAATGGCTTTCA[C>CA]ATAGGACACCTAGAGTGGGGGTGGAGGAGAAACAGGGAGGTGAAAGCAGGGGAATGTAAA-3'

ClinVar aggregate classification (germline): Likely pathogenic (1 of 4 stars; one submission).

Conditions:
Hyperekplexia 1 (STHE). Also called: STARTLE DISEASE, FAMILIAL; STIFF-BABY SYNDROME; STIFF-MAN SYNDROME, CONGENITAL; STIFF-PERSON SYNDROME, CONGENITAL; HYPEREKPLEXIA 1, AUTOSOMAL DOMINANT; HYPEREKPLEXIA 1, AUTOSOMAL RECESSIVE. Identifiers: Orphanet 3197, MedGen C4551954, MONDO:0007868, OMIM 149400.

Submission:

Broad Center for Mendelian Genomics, Broad Institute of MIT and Harvard
Classification: Likely pathogenic for Hyperekplexia 1. Last evaluated: 2023-05-02. Review status: criteria provided, single submitter. Criteria: ACMG Guidelines, 2015. Collection method: curation. Allele origin: germline. Inheritance: Autosomal recessive inheritance.
Comment: The homozygous p.Val308CysfsTer5 variant in GLRA1 was identified by our study in three affected siblings with hyperekplexia 1. The p.Val308CysfsTer5 variant in GLRA1 has not been previously reported in individuals with hyperekplexia 1. This variant was absent from large population studies. This variant is predicted to cause a frameshift, which alters the protein‚Äôs amino acid sequence beginning at position 308 and leads to a premature termination codon 5 amino acids downstream. This termination codon occurs within the terminal 50 bases of the second to last exon and is more likely to escape nonsense mediated decay (NMD) and result in a truncated protein. Loss of function of the GLRA1 is an established disease mechanism in autosomal recessive hyperekplexia 1. In summary, although additional studies are required to fully establish its clinical significance, this variant is likely pathogenic for autosomal recessive hyperekplexia 1. ACMG/AMP Criteria applied: PVS1_Strong, PM2_Supporting, PM3_Supporting, PP1 (Richards 2015).